The following is an entry in ClinVar:

ClinVar aggregate classification (germline): Likely benign. Review status: criteria provided, multiple submitters, no conflicts (2 of 4 stars). 3 submissions from 3 submitters: Likely benign (2). 1 of the submissions does not count toward it. Last evaluated 2025-10-23.

Conditions:
HIVEP2-related disorder. Also called: HIVEP2-related condition.

Allele frequency attached by ClinVar (database versions not stated): gnomAD exomes 0.00012 and 0.00017; ExAC 0.00015; gnomAD 0.00017 and 0.00019; TOPMed 0.00019.
gnomAD v4.1: 276 of 1,613,992 alleles (0.017%); highest among the groups gnomAD compares: Non-Finnish European, 0.021%; no homozygotes.

Submissions (3):

Labcorp Genetics (formerly Invitae), Labcorp
Classification: Likely benign. Last evaluated: 2025-10-23. Review status: criteria provided, single submitter. Criteria: Invitae Variant Classification Sherloc (09022015). Collection method: clinical testing. Allele origin: germline.

CeGaT Center for Human Genetics Tuebingen
Classification: Likely benign. Last evaluated: 2024-07-01. Review status: criteria provided, single submitter. Criteria: CeGaT Center For Human Genetics Tuebingen Variant Classification Criteria Version 2. Collection method: clinical testing. Allele origin: germline. Affected: yes. Observed: 1 variant allele.
Comment: HIVEP2: BP4, BP7

PreventionGenetics, part of Exact Sciences
Classification: Likely benign for HIVEP2-related condition. Last evaluated: 2019-09-09. Review status: no assertion criteria provided. Collection method: clinical testing. Allele origin: germline. Not counted in ClinVar's aggregate classification.
Comment: This variant is classified as likely benign based on ACMG/AMP sequence variant interpretation guidelines (Richards et al. 2015 PMID: 25741868, with internal and published modifications).

NM_006734.4(HIVEP2):c.4398C>T (p.Tyr1466=)

Gene: HIVEP2 (HIVEP zinc finger 2; minus strand). Cytogenetic location: 6q24.2.
Variant type: single nucleotide variant.
Coding change: c.4398C>T on transcript NM_006734.4 (MANE Select); coding-DNA position 4398, C replaced by T.
Protein change: p.Tyr1466=; no amino-acid change (tyrosine 1466 retained).
Molecular consequence: synonymous variant.
Genome position (GRCh38, 1-based): chr6:142,770,341, G>A on the plus strand (C>T on the coding strand, the complement: HIVEP2 is on the minus strand). VCF-style: chr6-142770341-G-A. GRCh37 (hg19) VCF-style: chr6-143091478-G-A.
Identifiers: ClinVar variation 753252 (VCV000753252.26), dbSNP rs762453316, ClinGen allele CA4028083.